The following is an entry in ClinVar:

ClinVar aggregate classification (germline): Conflicting classifications of pathogenicity. Review status: criteria provided, conflicting classifications (1 of 4 stars). 4 submissions from 4 submitters: Uncertain significance (3); Benign (1). Last evaluated 2025-04-07.

Conditions:
Congenital myasthenic syndrome 8. Also called: Myasthenic syndrome, congenital, 8, with pre- and postsynaptic defects; MYASTHENIC SYNDROME, CONGENITAL, DUE TO AGRIN DEFICIENCY. Identifiers: Orphanet 590, MedGen C3808739, MONDO:0014052, OMIM 615120.

Submissions (4):

Mayo Clinic Laboratories, Mayo Clinic
Classification: Uncertain significance. Last evaluated: 2025-04-07. Review status: criteria provided, single submitter. Criteria: ACMG Guidelines, 2015. Collection method: clinical testing. Allele origin: germline. Observed: 1 variant allele.
Comment: BS2

Revvity Omics, Revvity
Classification: Benign for Congenital myasthenic syndrome 8. Last evaluated: 2025-03-10. Review status: criteria provided, single submitter. Criteria: ACMG Guidelines, 2015. Collection method: clinical testing. Allele origin: germline.

Labcorp Genetics (formerly Invitae), Labcorp
Classification: Uncertain significance for Congenital myasthenic syndrome 8. Last evaluated: 2022-10-13. Review status: criteria provided, single submitter. Criteria: Invitae Variant Classification Sherloc (09022015). Collection method: clinical testing. Allele origin: germline.
Comment: This variant, c.596_598del, results in the deletion of 1 amino acid(s) of the AGRN protein (p.Lys199del), but otherwise preserves the integrity of the reading frame. This variant is present in population databases (rs749209897, gnomAD 0.1%), and has an allele count higher than expected for a pathogenic variant. This variant has not been reported in the literature in individuals affected with AGRN-related conditions. ClinVar contains an entry for this variant (Variation ID: 474163). Experimental studies and prediction algorithms are not available or were not evaluated, and the functional significance of this variant is currently unknown. In summary, the available evidence is currently insufficient to determine the role of this variant in disease. Therefore, it has been classified as a Variant of Uncertain Significance.

GeneDx
Classification: Uncertain significance. Last evaluated: 2022-06-17. Review status: criteria provided, single submitter. Criteria: GeneDx Variant Classification Process June 2021. Collection method: clinical testing. Allele origin: germline. Affected: yes.
Comment: In-frame deletion of 1 amino acids in a non-repeat region; In silico analysis supports a deleterious effect on protein structure/function; Has not been previously published as pathogenic or benign to our knowledge

NM_198576.4(AGRN):c.593AGA[1] (p.Lys199del)

Gene: AGRN (agrin; plus strand). Cytogenetic location: 1p36.33.
Variant type: Microsatellite.
Coding change: c.593AGA[1] on transcript NM_198576.4 (MANE Select); one copy of the 3-base unit AGA starting at c.593; the reference has two copies in a row; one copy, 3 bases deleted; also written c.596_598del.
Protein change: p.Lys199del; deletes lysine 199.
Molecular consequence: inframe deletion.
Genome position (GRCh38, 1-based): chr1:1,040,749-1,040,751, AGA deleted; deleting any 3 consecutive bases within chr1:1,040,745-1,040,751 gives the same sequence; the position shown is the placement nearest the transcript's 3' end. VCF-style (leftmost placement, unchanged base first): chr1-1040744-CAAG-C. GRCh37 (hg19) VCF-style: chr1-976124-CAAG-C.
Other names: p.Lys199del; c.596_598del (NM_198576.3, NM_198576.4); c.593AGA[1], p.Lys199del (NM_001305275.2); c.278AGA[1], p.Lys94del (NM_001364727.2); short protein forms K199del, K94del.
Identifiers: ClinVar variation 474163 (VCV000474163.12), dbSNP rs749209897, ClinGen allele CA507882.